The following is an entry in ClinVar:

ClinVar aggregate classification (germline): Uncertain significance. Review status: criteria provided, multiple submitters, no conflicts (2 of 4 stars). 2 submissions from 2 submitters: Uncertain significance (2). Last evaluated 2024-09-13.

Conditions:
Long QT syndrome (LQTS). Identifiers: MedGen C0023976, MeSH D008133, MONDO:0002442. Disease mechanism: loss of function. Inheritance: Various modes of inheritance.
Cardiovascular phenotype. Identifiers: MedGen CN230736.

Allele frequency attached by ClinVar (database versions not stated): TOPMed below 0.00001; gnomAD 0.00001; ExAC 0.00002; gnomAD exomes 0.00002.

Submissions (2):

Labcorp Genetics (formerly Invitae), Labcorp
Classification: Uncertain significance for Long QT syndrome. Last evaluated: 2024-09-13. Review status: criteria provided, single submitter. Criteria: Invitae Variant Classification Sherloc (09022015). Collection method: clinical testing. Allele origin: germline.
Comment: This sequence change replaces valine, which is neutral and non-polar, with methionine, which is neutral and non-polar, at codon 259 of the KCNJ5 protein (p.Val259Met). This variant is present in population databases (rs759363415, gnomAD 0.003%). This missense change has been observed in individual(s) with hypertension (PMID: 25974737). ClinVar contains an entry for this variant (Variation ID: 1760488). Invitae Evidence Modeling of protein sequence and biophysical properties (such as structural, functional, and spatial information, amino acid conservation, physicochemical variation, residue mobility, and thermodynamic stability) has been performed for this missense variant. However, the output from this modeling did not meet the statistical confidence thresholds required to predict the impact of this variant on KCNJ5 protein function. Experimental studies have shown that this missense change does not substantially affect KCNJ5 function (PMID: 27293068). In summary, the available evidence is currently insufficient to determine the role of this variant in disease. Therefore, it has been classified as a Variant of Uncertain Significance.

Ambry Genetics
Classification: Uncertain significance for Cardiovascular phenotype. Last evaluated: 2023-09-06. Review status: criteria provided, single submitter. Criteria: Ambry Variant Classification Scheme 2023. Collection method: clinical testing. Allele origin: germline.
Comment: The p.V259M variant (also known as c.775G>A), located in coding exon 1 of the KCNJ5 gene, results from a G to A substitution at nucleotide position 775. The valine at codon 259 is replaced by methionine, an amino acid with highly similar properties. This alteration was detected in an individual with hypertension who exhibited an aldosterone hyper response to a treadmill test (Markou A et al. J. Clin. Endocrinol. Metab., 2015 Aug;100:2857-64). In a different study, authors showed that this alteration did not have a significant impact on protein function (Sertedaki A et al. Clin. Endocrinol. (Oxf), 2016 Dec;85:845-851). Based on data from gnomAD, the frequency for this variant is above the maximum credible frequency for a hyperaldosteronism disease-causing variant in this gene based on internally established thresholds (Karczewski et al. Nature. 2020 May;581(7809):434-443; Whiffin et al. Genet Med. 2017 10;19:1151-1158). This amino acid position is well conserved in available vertebrate species. In addition, the in silico prediction for this alteration is inconclusive. Based on the supporting evidence, the association of this alteration with long QT syndrome is unknown, as the evidence for this gene-disease relationship is limited; however, the association of this alteration with hyperaldosteronism is unlikely.

Literature cited by the submitters: PubMed 25974737 (cited by Labcorp Genetics (formerly Invitae), Labcorp and Ambry Genetics); PubMed 27293068 (cited by Labcorp Genetics (formerly Invitae), Labcorp and Ambry Genetics); PubMed 26247594 (cited by Ambry Genetics); PubMed 29287775 (cited by Ambry Genetics).

NM_000890.5(KCNJ5):c.775G>A (p.Val259Met)

Gene: KCNJ5 (potassium inwardly rectifying channel subfamily J member 5; plus strand). Cytogenetic location: 11q24.3.
Variant type: single nucleotide variant.
Coding change: c.775G>A on transcript NM_000890.5 (MANE Select); coding-DNA position 775, G replaced by A.
Protein change: p.Val259Met; replaces valine 259 with methionine.
Molecular consequence: missense variant.
Genome position (GRCh38, 1-based): chr11:128,912,048, G>A. VCF-style: chr11-128912048-G-A. GRCh37 (hg19) VCF-style: chr11-128781943-G-A.
Other names: c.775G>A, p.Val259Met (NM_001354169.2); short protein forms V259M.
Identifiers: ClinVar variation 1760488 (VCV001760488.5), dbSNP rs759363415, ClinGen allele CA6357935.